The following is an entry in ClinVar:

ClinVar aggregate classification (germline): Uncertain significance (1 of 4 stars; one submission).

Conditions:
Glycogen storage disease, type II (IOPD). Also called: Glycogen storage disease type 2; Acid maltase deficiency disease; Aglucosidase alfa; Deficiency of alpha-glucosidase; Deficiency of lysosomal alpha-glucosidase; Glucosidase acid-1,4-alpha deficiency. Identifiers: Orphanet 365, MedGen C0017921, MONDO:0009290, OMIM 232300.

Submission:

Labcorp Genetics (formerly Invitae), Labcorp
Classification: Uncertain significance for Glycogen storage disease, type II. Last evaluated: 2022-07-23. Review status: criteria provided, single submitter. Criteria: Invitae Variant Classification Sherloc (09022015). Collection method: clinical testing. Allele origin: germline.
Comment: This sequence change replaces leucine, which is neutral and non-polar, with valine, which is neutral and non-polar, at codon 701 of the GAA protein (p.Leu701Val). This variant is not present in population databases (gnomAD no frequency). This variant has not been reported in the literature in individuals affected with GAA-related conditions. Advanced modeling of protein sequence and biophysical properties (such as structural, functional, and spatial information, amino acid conservation, physicochemical variation, residue mobility, and thermodynamic stability) performed at Invitae indicates that this missense variant is not expected to disrupt GAA protein function. In summary, the available evidence is currently insufficient to determine the role of this variant in disease. Therefore, it has been classified as a Variant of Uncertain Significance.

NM_000152.5(GAA):c.2101C>G (p.Leu701Val)

Gene: GAA (alpha glucosidase; plus strand). Cytogenetic location: 17q25.3.
Variant type: single nucleotide variant.
Coding change: c.2101C>G on transcript NM_000152.5 (MANE Select); coding-DNA position 2101, C replaced by G.
Protein change: p.Leu701Val; replaces leucine 701 with valine.
Molecular consequence: missense variant.
Genome position (GRCh38, 1-based): chr17:80,113,278, C>G. VCF-style: chr17-80113278-C-G. GRCh37 (hg19) VCF-style: chr17-78087077-C-G.
Other names: c.2101C>G, p.Leu701Val (NM_001079803.3, NM_001079804.3, NM_001406741.1 and 1 more transcripts); short protein forms L701V.
Identifiers: ClinVar variation 1713600 (VCV001713600.6), dbSNP rs772378218, ClinGen allele CA401370498.